The following is an entry in ClinVar:

NM_033026.6(PCLO):c.3862G>T (p.Gly1288Trp)

Gene: PCLO (piccolo presynaptic cytomatrix protein; minus strand). Cytogenetic location: 7q21.11.
Variant type: single nucleotide variant.
Coding change: c.3862G>T on transcript NM_033026.6 (MANE Select); coding-DNA position 3862, G replaced by T.
Protein change: p.Gly1288Trp; replaces glycine 1288 with tryptophan.
Molecular consequence: missense variant.
Genome position (GRCh38, 1-based): chr7:82,965,926, C>A on the plus strand (G>T on the coding strand, the complement: PCLO is on the minus strand). VCF-style: chr7-82965926-C-A. GRCh37 (hg19) VCF-style: chr7-82595242-C-A.
Other names: c.3862G>T, p.Gly1288Trp (NM_014510.3); short protein forms G1288W.
Identifiers: ClinVar variation 724142 (VCV000724142.12), dbSNP rs199689461, ClinGen allele CA4320945.

ClinVar aggregate classification (germline): Likely benign. Review status: criteria provided, multiple submitters, no conflicts (2 of 4 stars). 3 submissions from 3 submitters: Likely benign (2). 1 of the submissions does not count toward it. Last evaluated 2026-01-28.

Conditions:
PCLO-related disorder. Also called: PCLO-related condition.
Inborn genetic diseases. Identifiers: MedGen C0950123, MeSH D030342.

Allele frequency attached by ClinVar (database versions not stated): gnomAD exomes 0.00007 and 0.00022; ExAC 0.00019; 1000 Genomes Project 30x 0.00031; 1000 Genomes Project 0.00040; ESP Exome Variant Server 0.00049; gnomAD 0.00074 and 0.00081; TOPMed 0.00094.
gnomAD v4.1: 220 of 1,613,882 alleles (0.014%); highest among the groups gnomAD compares: African/African-American, 0.25%; no homozygotes.

Submissions (3):

Labcorp Genetics (formerly Invitae), Labcorp
Classification: Likely benign. Last evaluated: 2026-01-28. Review status: criteria provided, single submitter. Criteria: Invitae Variant Classification Sherloc (09022015). Collection method: clinical testing. Allele origin: germline.

Ambry Genetics
Classification: Likely benign for Inborn genetic diseases. Last evaluated: 2022-11-08. Review status: criteria provided, single submitter. Criteria: Ambry Variant Classification Scheme 2023. Collection method: clinical testing. Allele origin: germline.

PreventionGenetics, part of Exact Sciences
Classification: Likely benign for PCLO-related condition. Last evaluated: 2022-02-09. Review status: no assertion criteria provided. Collection method: clinical testing. Allele origin: germline. Not counted in ClinVar's aggregate classification.
Comment: This variant is classified as likely benign based on ACMG/AMP sequence variant interpretation guidelines (Richards et al. 2015 PMID: 25741868, with internal and published modifications).